The following is an entry in ClinVar:

NM_021096.4(CACNA1I):c.5119C>T (p.Pro1707Ser)

Gene: CACNA1I (calcium voltage-gated channel subunit alpha1 I; plus strand). Cytogenetic location: 22q13.1.
Variant type: single nucleotide variant.
Coding change: c.5119C>T on transcript NM_021096.4 (MANE Select); coding-DNA position 5119, C replaced by T.
Protein change: p.Pro1707Ser; replaces proline 1707 with serine.
Molecular consequence: missense variant.
Genome position (GRCh38, 1-based): chr22:39,679,170, C>T. VCF-style: chr22-39679170-C-T. GRCh37 (hg19) VCF-style: chr22-40075175-C-T.
Other names: c.5014C>T, p.Pro1672Ser (NM_001003406.2); short protein forms P1672S, P1707S.
Identifiers: ClinVar variation 2662720 (VCV002662720.1), dbSNP rs2518198598, ClinGen allele CA411634064.
Genomic context (GRCh38, chr22:39,679,170, plus strand): 5'-ACGCTGCGGGACTGCACCCACGACGAGCGCAGCTGCCTGAGCAGCCTGCAGTTTGTGTCG[C>T]CGCTGTACTTCGTGAGCTTCGTGCTCACCGCGCAGTTCGTGCTCATCAACGTGGTGGTGG-3'
Protein context (NP_066919.2, residues 1697-1717): SCLSSLQFVS[Pro1707Ser]LYFVSFVLTA

ClinVar aggregate classification (germline): Uncertain significance (1 of 4 stars; one submission).

Allele frequency attached by ClinVar (database versions not stated): gnomAD exomes below 0.00001.
gnomAD v4.1: 1 of 1,592,322 alleles (0.000063%); highest among the groups gnomAD compares: Non-Finnish European, 0.000085%; no homozygotes.

Submission:

GeneDx
Classification: Uncertain significance. Last evaluated: 2023-04-15. Review status: criteria provided, single submitter. Criteria: GeneDx Variant Classification Process June 2021. Collection method: clinical testing. Allele origin: germline. Affected: yes.
Comment: Not observed at significant frequency in large population cohorts (gnomAD); In silico analysis supports that this missense variant has a deleterious effect on protein structure/function; Has not been previously published as pathogenic or benign to our knowledge